The following is an entry in ClinVar:

ClinVar aggregate classification (germline): Likely pathogenic (1 of 4 stars; one submission).

Conditions:
Severe combined immunodeficiency due to DCLRE1C deficiency (RS-SCID). Also called: SCID, AUTOSOMAL RECESSIVE, T CELL-NEGATIVE, B CELL-NEGATIVE, NK CELL-POSITIVE, WITH SENSITIVITY TO IONIZING RADIATION. Identifiers: Orphanet 275, MedGen C1865371, MONDO:0011225, OMIM 602450.

Submission:

Labcorp Genetics (formerly Invitae), Labcorp
Classification: Likely pathogenic for Athabaskan severe combined immunodeficiency. Last evaluated: 2022-10-23. Review status: criteria provided, single submitter. Criteria: Invitae Variant Classification Sherloc (09022015). Collection method: clinical testing. Allele origin: germline.
Comment: This variant has not been reported in the literature in individuals affected with DCLRE1C-related conditions. This sequence change affects an acceptor splice site in intron 7 of the DCLRE1C gene. It is expected to disrupt RNA splicing. Variants that disrupt the donor or acceptor splice site typically lead to a loss of protein function (PMID: 16199547), and loss-of-function variants in DCLRE1C are known to be pathogenic (PMID: 21664875, 26123418). This variant is not present in population databases (gnomAD no frequency). Algorithms developed to predict the effect of sequence changes on RNA splicing suggest that this variant may disrupt the consensus splice site. In summary, the currently available evidence indicates that the variant is pathogenic, but additional data are needed to prove that conclusively. Therefore, this variant has been classified as Likely Pathogenic.

Literature cited by the submitters: PubMed 16199547; PubMed 21664875; PubMed 26123418.

NM_001033855.3(DCLRE1C):c.538-1G>C

Gene: DCLRE1C (DNA cross-link repair 1C; minus strand). Cytogenetic location: 10p13.
Variant type: single nucleotide variant.
Coding change: c.538-1G>C on transcript NM_001033855.3 (MANE Select); the canonical splice acceptor site of the intron before coding-DNA position 538, G replaced by C.
Molecular consequence: splice acceptor variant.
Genome position (GRCh38, 1-based): chr10:14,934,521, C>G on the plus strand (G>C on the coding strand, the complement: DCLRE1C is on the minus strand). VCF-style: chr10-14934521-C-G. GRCh37 (hg19) VCF-style: chr10-14976520-C-G.
Other names: c.193-1G>C (NM_001289078.2, NM_001289076.2, NM_022487.4 and 1 more transcripts); c.178-1G>C (NM_001289077.2, NM_001289079.2, NM_001033857.3 and 2 more transcripts); c.538-1G>C (NM_001350965.2).
Identifiers: ClinVar variation 2808566 (VCV002808566.3), dbSNP rs2492025655, ClinGen allele CA376059729.